The following is an entry in ClinVar:

ClinVar aggregate classification (germline): Likely benign. Review status: criteria provided, multiple submitters, no conflicts (2 of 4 stars). 2 submissions from 2 submitters: Likely benign (2). Last evaluated 2026-06-01.

Allele frequency attached by ClinVar (database versions not stated): gnomAD exomes below 0.00001; ExAC 0.00001.
gnomAD v4.1: 1 of 1,614,202 alleles (0.000062%); highest among the groups gnomAD compares: Admixed American, 0.0017%; no homozygotes.

Submissions (2):

CeGaT Center for Human Genetics Tuebingen
Classification: Likely benign. Last evaluated: 2026-06-01. Review status: criteria provided, single submitter. Criteria: CeGaT Center For Human Genetics Tuebingen Variant Classification Criteria Version 2. Collection method: clinical testing. Allele origin: germline. Affected: yes. Observed: 1 variant allele.
Comment: MTOR: BP4, BP7

Labcorp Genetics (formerly Invitae), Labcorp
Classification: Likely benign. Last evaluated: 2023-12-12. Review status: criteria provided, single submitter. Criteria: Invitae Variant Classification Sherloc (09022015). Collection method: clinical testing. Allele origin: germline.

NM_004958.4(MTOR):c.2575A>C (p.Arg859=)

Gene: MTOR (mechanistic target of rapamycin kinase; minus strand). Cytogenetic location: 1p36.22.
Variant type: single nucleotide variant.
Coding change: c.2575A>C on transcript NM_004958.4 (MANE Select); coding-DNA position 2575, A replaced by C.
Protein change: p.Arg859=; no amino-acid change (arginine 859 retained).
Molecular consequence: synonymous variant.
Genome position (GRCh38, 1-based): chr1:11,231,374, T>G on the plus strand (A>C on the coding strand, the complement: MTOR is on the minus strand). VCF-style: chr1-11231374-T-G. GRCh37 (hg19) VCF-style: chr1-11291431-T-G.
Other names: c.2575A>C, p.Arg859= (NM_001386500.1); c.1327A>C, p.Arg443= (NM_001386501.1).
Identifiers: ClinVar variation 2888654 (VCV002888654.5), dbSNP rs776799937, ClinGen allele CA590439.